The following is an entry in ClinVar:

ClinVar aggregate classification (germline): Uncertain significance. Review status: criteria provided, multiple submitters, no conflicts (2 of 4 stars). 3 submissions from 3 submitters: Uncertain significance (3). Last evaluated 2024-10-11.

Conditions:
Cardiomyopathy (CMYO). Also called: Cardiomyopathies. Identifiers: Orphanet 167848, MedGen C0878544, MONDO:0004994, HP:0001638. Inheritance: Various modes of inheritance.
Familial isolated arrhythmogenic right ventricular dysplasia. Identifiers: Orphanet 217656, MedGen C4274968, MONDO:0016342.

Submissions (3):

GeneDx
Classification: Uncertain significance. Last evaluated: 2024-10-11. Review status: criteria provided, single submitter. Criteria: GeneDx Variant Classification Process June 2021. Collection method: clinical testing. Allele origin: germline. Affected: yes.
Comment: Has not been previously published as pathogenic or benign to our knowledge; Not observed at significant frequency in large population cohorts (gnomAD); In silico analysis indicates that this missense variant does not alter protein structure/function

Color Diagnostics, LLC DBA Color Health
Classification: Uncertain significance for Cardiomyopathy. Last evaluated: 2024-03-06. Review status: criteria provided, single submitter. Criteria: ACMG Guidelines, 2015. Collection method: clinical testing. Allele origin: germline.
Comment: This missense variant replaces arginine with tryptophan at codon 16 of the DSC2 protein. Computational prediction tool suggests that this variant may not impact protein structure and function (internally defined REVEL score threshold <=0.5, PMID: 27666373). Splice site prediction tools suggest that this variant may not impact RNA splicing. To our knowledge, functional studies have not been performed for this variant. This variant has not been reported in individuals affected with cardiovascular disorders in the literature. This variant has not been identified in the general population by the Genome Aggregation Database (gnomAD). The available evidence is insufficient to determine the role of this variant in disease conclusively. Therefore, this variant is classified as a Variant of Uncertain Significance.

All of Us Research Program, National Institutes of Health
Classification: Uncertain significance for Familial isolated arrhythmogenic right ventricular dysplasia. Last evaluated: 2023-06-26. Review status: criteria provided, single submitter. Criteria: ACMG Guidelines, 2015. Collection method: clinical testing. Allele origin: germline. Inheritance: Autosomal dominant inheritance. Observed: 1 variant allele, 1 heterozygote.
Comment: This missense variant replaces arginine with tryptophan at codon 16 of the DSC2 protein. Computational prediction tool suggests that this variant may not impact protein structure and function (internally defined REVEL score threshold <=0.5, PMID: 27666373). Splice site prediction tools suggest that this variant may not impact RNA splicing. To our knowledge, functional studies have not been performed for this variant. This variant has not been reported in individuals affected with cardiovascular disorders in the literature. This variant has not been identified in the general population by the Genome Aggregation Database (gnomAD). The available evidence is insufficient to determine the role of this variant in disease conclusively. Therefore, this variant is classified as a Variant of Uncertain Significance.

This study involves interpretation of variants in research participants for the purpose of population health screening. Participant phenotype was not available at the time of variant classification. Additional details can be found in publication PMID: 35346344, PMCID: PMC8962531

NM_024422.6(DSC2):c.46C>T (p.Arg16Trp)

Genes: DSC2 (desmocollin 2; minus strand), DSCAS (DSC1/DSC2 antisense RNA; plus strand). Cytogenetic location: 18q12.1.
Variant type: single nucleotide variant.
Coding change: c.46C>T on transcript NM_024422.6 (MANE Select); coding-DNA position 46, C replaced by T.
Protein change: p.Arg16Trp; replaces arginine 16 with tryptophan.
Molecular consequence: missense variant.
Genome position (GRCh38, 1-based): chr18:31,101,926, G>A on the plus strand (C>T on the coding strand, the complement: DSC2 is on the minus strand). VCF-style: chr18-31101926-G-A. GRCh37 (hg19) VCF-style: chr18-28681889-G-A.
Other names: c.46C>T, p.Arg16Trp (NM_004949.5); short protein forms R16W.
Identifiers: ClinVar variation 921246 (VCV000921246.6), dbSNP rs1987975647, ClinGen allele CA402115244.